The following is an entry in ClinVar:

NM_002233.4(KCNA4):c.1824G>C (p.Lys608Asn)

Gene: KCNA4 (potassium voltage-gated channel subfamily A member 4; minus strand). Cytogenetic location: 11p14.1.
Variant type: single nucleotide variant.
Coding change: c.1824G>C on transcript NM_002233.4 (MANE Select); coding-DNA position 1824, G replaced by C.
Protein change: p.Lys608Asn; replaces lysine 608 with asparagine.
Molecular consequence: missense variant.
Genome position (GRCh38, 1-based): chr11:30,010,855, C>G on the plus strand (G>C on the coding strand, the complement: KCNA4 is on the minus strand). VCF-style: chr11-30010855-C-G. GRCh37 (hg19) VCF-style: chr11-30032402-C-G.
Other names: short protein forms K608N.
Identifiers: ClinVar variation 1028009 (VCV001028009.2), dbSNP rs200225575, ClinGen allele CA5930433.

ClinVar aggregate classification (germline): Uncertain significance. Review status: criteria provided, multiple submitters, no conflicts (2 of 4 stars). 2 submissions from 2 submitters: Uncertain significance (2). Last evaluated 2019-09-25.

Conditions:
Microcephaly, cataracts, impaired intellectual development, and dystonia with abnormal striatum. Identifiers: MedGen C4748984, MONDO:0032656, OMIM 618284.

Allele frequency attached by ClinVar (database versions not stated): gnomAD 0.00019; ESP Exome Variant Server 0.00025; TOPMed 0.00025; ExAC 0.00045; gnomAD exomes 0.00047.
gnomAD v4.1: 570 of 1,614,092 alleles (0.035%); highest among the groups gnomAD compares: Middle Eastern, 0.81%; 2 homozygotes.

Submissions (2):

Baylor Genetics
Classification: Uncertain significance for Microcephaly, cataracts, impaired intellectual development, and dystonia with abnormal striatum. Last evaluated: 2019-09-25. Review status: criteria provided, single submitter. Criteria: ACMG Guidelines, 2015. Collection method: clinical testing. Allele origin: unknown. Affected: yes.
Comment: This variant was determined to be of uncertain significance according to ACMG Guidelines, 2015 [PMID:25741868].

Breakthrough Genomics
Classification: Uncertain significance. Review status: criteria provided, single submitter. Criteria: ACMG Guidelines, 2015. Collection method: not provided. Allele origin: germline. Inheritance: Autosomal recessive inheritance. Affected: yes.